The following is an entry in ClinVar:

ClinVar aggregate classification (germline): Likely pathogenic (1 of 4 stars; one submission).

Conditions:
Hereditary cancer-predisposing syndrome. Also called: Neoplastic Syndromes, Hereditary; Tumor predisposition; Hereditary neoplastic syndrome; Hereditary Cancer Syndrome. Identifiers: Orphanet 140162, MedGen C0027672, MeSH D009386, MONDO:0015356.

Submission:

Ambry Genetics
Classification: Likely pathogenic for Hereditary cancer-predisposing syndrome. Last evaluated: 2024-02-27. Review status: criteria provided, single submitter. Criteria: Ambry Variant Classification Scheme 2023. Collection method: clinical testing. Allele origin: germline.
Comment: The c.365+2T>G intronic variant results from a T to G substitution two nucleotides after coding exon 3 in the RAD50 gene. This variant is considered to be rare based on population cohorts in the Genome Aggregation Database (gnomAD). This nucleotide position is highly conserved in available vertebrate species. In silico splice site analysis predicts that this alteration will weaken the native splice donor site and will result in the creation or strengthening of a novel splice donor site. Alterations that disrupt the canonical splice site are expected to cause aberrant splicing, resulting in an abnormal protein or a transcript that is subject to nonsense-mediated mRNA decay. As such, this alteration is classified as likely pathogenic.

NM_005732.4(RAD50):c.365+2T>G

Gene: RAD50 (RAD50 double strand break repair protein; plus strand). Cytogenetic location: 5q31.1.
Variant type: single nucleotide variant.
Coding change: c.365+2T>G on transcript NM_005732.4 (MANE Select); the canonical splice donor site of the intron after coding-DNA position 365, T replaced by G.
Molecular consequence: splice donor variant.
Genome position (GRCh38, 1-based): chr5:132,575,930, T>G. VCF-style: chr5-132575930-T-G. GRCh37 (hg19) VCF-style: chr5-131911622-T-G.
Identifiers: ClinVar variation 3224980 (VCV003224980.1), dbSNP rs2479608557, ClinGen allele CA360931533.